The following is an entry in ClinVar:

NM_016203.4(PRKAG2):c.1164T>G (p.Ile388Met)

Gene: PRKAG2 (protein kinase AMP-activated non-catalytic subunit gamma 2; minus strand). Cytogenetic location: 7q36.1.
Variant type: single nucleotide variant.
Coding change: c.1164T>G on transcript NM_016203.4 (MANE Select); coding-DNA position 1164, T replaced by G.
Protein change: p.Ile388Met; replaces isoleucine 388 with methionine.
Molecular consequence: missense variant.
Genome position (GRCh38, 1-based): chr7:151,568,785, A>C on the plus strand (T>G on the coding strand, the complement: PRKAG2 is on the minus strand). VCF-style: chr7-151568785-A-C. GRCh37 (hg19) VCF-style: chr7-151265871-A-C.
Other names: c.1032T>G, p.Ile344Met (NM_001040633.2, NM_001407024.1); c.789T>G, p.Ile263Met (NM_001304527.2, NM_001407029.1); c.441T>G, p.Ile147Met (NM_001304531.2, NM_001407034.1, NM_001407035.1 and 1 more transcripts); c.792T>G, p.Ile264Met (NM_001363698.2, NM_001407028.1); c.1164T>G, p.Ile388Met (NM_001407021.1); c.1161T>G, p.Ile387Met (NM_001407022.1, NM_001407023.1); c.1029T>G, p.Ile343Met (NM_001407026.1, NM_001407027.1); c.876T>G, p.Ile292Met (NM_001407030.1); and 6 more; short protein forms I282M, I343M, I387M, I147M, I163M, I263M, I146M, I264M.
Identifiers: ClinVar variation 2816775 (VCV002816775.3), dbSNP rs2536328542, ClinGen allele CA370071557.

ClinVar aggregate classification (germline): Uncertain significance (1 of 4 stars; one submission).

Conditions:
Lethal congenital glycogen storage disease of heart. Also called: GLYCOGEN STORAGE DISEASE OF HEART; PHOSPHORYLASE KINASE DEFICIENCY OF HEART. Identifiers: Orphanet 439854, MedGen C1849813, MONDO:0009867, OMIM 261740.

Submission:

Labcorp Genetics (formerly Invitae), Labcorp
Classification: Uncertain significance for Lethal congenital glycogen storage disease of heart. Last evaluated: 2022-11-26. Review status: criteria provided, single submitter. Criteria: Invitae Variant Classification Sherloc (09022015). Collection method: clinical testing. Allele origin: germline.
Comment: In summary, the available evidence is currently insufficient to determine the role of this variant in disease. Therefore, it has been classified as a Variant of Uncertain Significance. Advanced modeling of protein sequence and biophysical properties (such as structural, functional, and spatial information, amino acid conservation, physicochemical variation, residue mobility, and thermodynamic stability) has been performed at Invitae for this missense variant, however the output from this modeling did not meet the statistical confidence thresholds required to predict the impact of this variant on PRKAG2 protein function. This variant has not been reported in the literature in individuals affected with PRKAG2-related conditions. This variant is not present in population databases (gnomAD no frequency). This sequence change replaces isoleucine, which is neutral and non-polar, with methionine, which is neutral and non-polar, at codon 388 of the PRKAG2 protein (p.Ile388Met).